The following is an entry in ClinVar:

NM_000057.4(BLM):c.1330T>G (p.Cys444Gly)

Gene: BLM (BLM RecQ like helicase; plus strand). Cytogenetic location: 15q26.1.
Variant type: single nucleotide variant.
Coding change: c.1330T>G on transcript NM_000057.4 (MANE Select); coding-DNA position 1330, T replaced by G.
Protein change: p.Cys444Gly; replaces cysteine 444 with glycine.
Molecular consequence: missense variant.
Genome position (GRCh38, 1-based): chr15:90,760,703, T>G. VCF-style: chr15-90760703-T-G. GRCh37 (hg19) VCF-style: chr15-91303933-T-G.
Other names: c.1330T>G, p.Cys444Gly (NM_001287246.2, NM_001287247.2); c.205T>G, p.Cys69Gly (NM_001287248.2); short protein forms C69G, C444G.
Identifiers: ClinVar variation 1433987 (VCV001433987.6), dbSNP rs745820610, ClinGen allele CA393842827.

ClinVar aggregate classification (germline): Uncertain significance (1 of 4 stars; one submission).

Conditions:
Bloom syndrome (BLM). Also called: Bloom-Torre-Machacek syndrome. Identifiers: Orphanet 125, MedGen C0005859, MONDO:0008876, OMIM 210900.

Submission:

Labcorp Genetics (formerly Invitae), Labcorp
Classification: Uncertain significance for Bloom syndrome. Last evaluated: 2021-08-19. Review status: criteria provided, single submitter. Criteria: Invitae Variant Classification Sherloc (09022015). Collection method: clinical testing. Allele origin: germline.
Comment: This variant has not been reported in the literature in individuals affected with BLM-related conditions. This variant is not present in population databases (ExAC no frequency). This sequence change replaces cysteine with glycine at codon 444 of the BLM protein (p.Cys444Gly). The cysteine residue is weakly conserved and there is a large physicochemical difference between cysteine and glycine. Algorithms developed to predict the effect of missense changes on protein structure and function (SIFT, PolyPhen-2, Align-GVGD) all suggest that this variant is likely to be tolerated. In summary, the available evidence is currently insufficient to determine the role of this variant in disease. Therefore, it has been classified as a Variant of Uncertain Significance.